The following is an entry in ClinVar:

NC_012920.1(MT-ND4):m.11978T>A

Gene: MT-ND4 (mitochondrially encoded NADH dehydrogenase 4; plus strand).
Variant type: single nucleotide variant.
Genome position: chrM-11978-T-A.
Identifiers: ClinVar variation 693393 (VCV000693393.1), dbSNP rs1603223502, ClinGen allele CA414811927.

ClinVar aggregate classification (germline): Uncertain significance (1 of 4 stars; one submission).

Conditions:
Leigh syndrome (NULS). Also called: Leigh's necrotizing encephalopathy; Leigh's disease; Leigh Syndrome (mtDNA deletion); Leigh Disease; Subacute necrotizing encephalopathy; Necrotizing encephalopathy infantile subacute of Leigh. Identifiers: Orphanet 506, MedGen C2931891, MONDO:0009723, OMIM 256000.

Submission:

Wong Mito Lab, Molecular and Human Genetics, Baylor College of Medicine
Classification: Uncertain significance for Leigh syndrome. Last evaluated: 2019-10-17. Review status: criteria provided, single submitter. Criteria: Modified ACMG Guidelines (Unpublished). Collection method: clinical testing. Allele origin: germline.
Comment: The NC_012920.1:m.11978T>A (YP_003024035.1:p.Ser407Thr) variant in MTND4 gene is interpretated to be a Uncertain Significance variant based on the modified ACMG guidelines (unpublished). This variant meets the following evidence codes: BS4